The following is an entry in ClinVar:

ClinVar aggregate classification (germline): Likely benign (1 of 4 stars; one submission).

Submission:

CeGaT Center for Human Genetics Tuebingen
Classification: Likely benign. Last evaluated: 2025-04-01. Review status: criteria provided, single submitter. Criteria: CeGaT Center For Human Genetics Tuebingen Variant Classification Criteria Version 2. Collection method: clinical testing. Allele origin: germline. Affected: yes. Observed: 1 variant allele.
Comment: IRX1: PM2:Supporting, BP4, BP7

NM_024337.4(IRX1):c.1410G>T (p.Thr470=)

Gene: IRX1 (iroquois homeobox 1; plus strand). Cytogenetic location: 5p15.33.
Variant type: single nucleotide variant.
Coding change: c.1410G>T on transcript NM_024337.4 (MANE Select); coding-DNA position 1410, G replaced by T.
Protein change: p.Thr470=; no amino-acid change (threonine 470 retained).
Molecular consequence: synonymous variant.
Genome position (GRCh38, 1-based): chr5:3,601,007, G>T. VCF-style: chr5-3601007-G-T. GRCh37 (hg19) VCF-style: chr5-3601121-G-T.
Identifiers: ClinVar variation 3898530 (VCV003898530.7).